The following is an entry in ClinVar:

ClinVar aggregate classification (germline): Uncertain significance (1 of 4 stars; one submission).

Allele frequency attached by ClinVar (database versions not stated): TOPMed below 0.00001; gnomAD 0.00001.
gnomAD v4.1: 1 of 1,612,636 alleles (0.000062%); highest among the groups gnomAD compares: African/African-American, 0.0013%; no homozygotes.

Submission:

GeneDx
Classification: Uncertain significance. Last evaluated: 2022-12-28. Review status: criteria provided, single submitter. Criteria: GeneDx Variant Classification Process June 2021. Collection method: clinical testing. Allele origin: germline. Affected: yes.
Comment: Not observed at significant frequency in large population cohorts (gnomAD); In silico analysis supports that this missense variant has a deleterious effect on protein structure/function; Has not been previously published as pathogenic or benign to our knowledge

NM_170606.3(KMT2C):c.1271C>T (p.Ser424Leu)

Gene: KMT2C (lysine methyltransferase 2C; minus strand). Cytogenetic location: 7q36.1.
Variant type: single nucleotide variant.
Coding change: c.1271C>T on transcript NM_170606.3 (MANE Select); coding-DNA position 1271, C replaced by T.
Protein change: p.Ser424Leu; replaces serine 424 with leucine.
Molecular consequence: missense variant.
Genome position (GRCh38, 1-based): chr7:152,263,044, G>A on the plus strand (C>T on the coding strand, the complement: KMT2C is on the minus strand). VCF-style: chr7-152263044-G-A. GRCh37 (hg19) VCF-style: chr7-151960129-G-A.
Other names: short protein forms S424L.
Identifiers: ClinVar variation 2507275 (VCV002507275.1), dbSNP rs1449933432, ClinGen allele CA370089852.